The following is an entry in ClinVar:

ClinVar aggregate classification (germline): Uncertain significance (1 of 4 stars; one submission).

Conditions:
Retinoblastoma (RB1). Also called: RETINOBLASTOMA, SOMATIC. Identifiers: Orphanet 790, MedGen C0035335, MeSH D012175, MONDO:0008380, OMIM 180200, HP:0009919. Disease mechanism: loss of function. Inheritance: Both sporadic and heritable forms are tested..

gnomAD v4.1: 6 of 1,614,200 alleles (0.00037%); highest among the groups gnomAD compares: Non-Finnish European, 0.00051%; no homozygotes.

Submission:

Labcorp Genetics (formerly Invitae), Labcorp
Classification: Uncertain significance for Retinoblastoma. Last evaluated: 2025-11-03. Review status: criteria provided, single submitter. Criteria: Invitae Variant Classification Sherloc (09022015). Collection method: clinical testing. Allele origin: germline.
Comment: This sequence change replaces alanine, which is neutral and non-polar, with threonine, which is neutral and polar, at codon 628 of the RB1 protein (p.Ala628Thr). This variant is not present in population databases (gnomAD no frequency). This variant has not been reported in the literature in individuals affected with RB1-related conditions. Invitae Evidence Modeling of protein sequence and biophysical properties (such as structural, functional, and spatial information, amino acid conservation, physicochemical variation, residue mobility, and thermodynamic stability) indicates that this missense variant is not expected to disrupt RB1 protein function with a negative predictive value of 80%. In summary, the available evidence is currently insufficient to determine the role of this variant in disease. Therefore, it has been classified as a Variant of Uncertain Significance.

NM_000321.3(RB1):c.1882G>A (p.Ala628Thr)

Gene: RB1 (RB transcriptional corepressor 1; plus strand). Cytogenetic location: 13q14.2.
Variant type: single nucleotide variant.
Coding change: c.1882G>A on transcript NM_000321.3 (MANE Select); coding-DNA position 1882, G replaced by A.
Protein change: p.Ala628Thr; replaces alanine 628 with threonine.
Molecular consequence: missense variant.
Genome position (GRCh38, 1-based): chr13:48,456,271, G>A. VCF-style: chr13-48456271-G-A. GRCh37 (hg19) VCF-style: chr13-49030407-G-A.
Other names: c.1882G>A, p.Ala628Thr (NM_001407165.1); short protein forms A628T.
Identifiers: ClinVar variation 4741759 (VCV004741759.1).
Genomic context (GRCh38, chr13:48,456,271, plus strand): 5'-TCTCCTGTAAGATCTCCAAAGAAAAAAGGTTCAACTACGCGTGTAAATTCTACTGCAAAT[G>A]CAGAGACACAAGCAACCTCAGCCTTCCAGACCCAGAAGCCATTGAAATCTACCTCTCTTT-3'
Protein context (NP_000312.2, residues 618-638): STTRVNSTAN[Ala628Thr]ETQATSAFQT